The following continues an entry in ClinVar:

NM_024675.4(PALB2):c.3256C>T (p.Arg1086Ter)

Gene: PALB2. ClinVar aggregate classification (germline): Pathogenic/Likely pathogenic. Pathogenic (25); Likely pathogenic (2).

Submissions 25 to 31 of 31:

Illumina Laboratory Services, Illumina
Classification: Pathogenic for PALB2-Related Disorders. Last evaluated: 2018-04-25. Review status: criteria provided, single submitter. Criteria: ICSL Variant Classification Criteria 09 May 2019. Collection method: clinical testing. Allele origin: germline.
Comment: The PALB2 c.3256C>T (p.Arg1086Ter) variant is a stop-gained variant that is predicted to result in premature termination of the protein. Across a selection of the available literature, it has been reported in a heterozygous state in at least eleven individuals with cancer, including five with pancreatic cancer, three with breast cancer (one bilateral), and one with ovarian cancer (Jones et al. 2009; Grant et al. 2013; Thompson et al. 2015; Zhen et al. 2015; Norquist et al. 2016; Susswein et al. 2016; Sun et al. 2017). Five of these individuals had a family history of cancer. Although the p.Arg1086Ter variant has not been reported in the literature in individuals with Fanconi anemia, it cannot be ruled out of causing this condition based on allele frequency in consideration of condition penetrance and prevalence estimates. Control data are unavailable for this variant, which is reported at a frequency of 0.000036 in the European (non-Finnish) population of the Genome Aggregation Database. Based on the available evidence, the p.Arg1086Ter variant is classified as pathogenic for PALB2-related disorders. This variant was observed by ICSL as part of a predisposition screen in an ostensibly healthy population.

University of Washington Department of Laboratory Medicine, University of Washington
Classification: Pathogenic for Hereditary cancer-predisposing syndrome. Last evaluated: 2015-11-20. Review status: criteria provided, single submitter. Criteria: Shirts et al. (Genet Med 2016). Collection method: clinical testing. Allele origin: germline. Affected: yes. Observed: 1 variant allele.

Cancer Genetics Laboratory, Peter MacCallum Cancer Centre
Classification: Likely pathogenic for Familial cancer of breast. Last evaluated: 2015-06-01. Review status: criteria provided, single submitter. Criteria: Thompson et al. (Breast Cancer Res. 2015). Collection method: case-control. Allele origin: germline. Affected: yes. Observed: 1 variant allele, 1 heterozygote.

deCODE genetics, Amgen
Classification: Pathogenic for Familial cancer of breast. Last evaluated: 2023-07-21. Review status: no assertion criteria provided. Collection method: research. Allele origin: germline. Affected: yes. Observed: 71 variant alleles. Not counted in ClinVar's aggregate classification.
Comment: The variant NM_024675.4:c.3256C>T (chr16:23607958) in PALB2 was detected in 33 heterozygotes out of 58K WGS Icelanders (MAF= 0,028%). Following imputation in a set of 166K Icelanders (71 imputed heterozygotes) we observed an association with breast cancer using 6908 cases and 292623 controls (OR= 5.57, P= 6.93e-05). This variant has been reported in ClinVar previously as pathogenic/likely pathogenic. Based on ACMG criteria (PVS1, PS4, PP5) this variant classifies as pathogenic.

Laboratory for Genotyping Development, RIKEN
Classification: Pathogenic for Gastric cancer. Last evaluated: 2021-07-01. Review status: no assertion criteria provided. Collection method: research. Allele origin: germline. Not counted in ClinVar's aggregate classification.

Leiden Open Variation Database
Classification: Pathogenic for Pancreatic cancer, susceptibility to, 3. Last evaluated: 2019-05-13. Review status: no assertion criteria provided. Collection method: curation. Allele origin: germline. Affected: yes. Not counted in ClinVar's aggregate classification.
Comment: Curators: Marc Tischkowitz, Arleen D. Auerbach. Submitter to LOVD: Marc Tischkowitz.

OMIM
Classification: risk factor for PANCREATIC CANCER, SUSCEPTIBILITY TO, 3. Last evaluated: 2009-04-10. Review status: no assertion criteria provided. Collection method: literature only. Allele origin: germline. Not counted in ClinVar's aggregate classification.

Literature cited by the submitters: PubMed 31921681 (cited by Dasa); PubMed 31125277 (cited by Dasa); PubMed 28724667 (cited by 3 submitters); PubMed 29752822 (cited by 4 submitters); PubMed 30580288 (cited by Dasa); PubMed 26283626 (cited by 9 submitters); PubMed 17200668 (cited by Labcorp Genetics (formerly Invitae), Labcorp and Variantyx, Inc.); PubMed 17200671 (cited by Labcorp Genetics (formerly Invitae), Labcorp); PubMed 17200672 (cited by Labcorp Genetics (formerly Invitae), Labcorp); PubMed 24136930 (cited by Labcorp Genetics (formerly Invitae), Labcorp); PubMed 25099575 (cited by Labcorp Genetics (formerly Invitae), Labcorp and Variantyx, Inc.); PubMed 19264984 (cited by 8 submitters); PubMed 23561644 (cited by 9 submitters); PubMed 25356972 (cited by 9 submitters); PubMed 26315354 (cited by Labcorp Genetics (formerly Invitae), Labcorp and Quest Diagnostics Nichols Institute San Juan Capistrano); PubMed 26845104 (cited by 3 submitters); PubMed 32566746 (cited by 3 submitters); PubMed 33169439 (cited by Center for Genomic Medicine, Rigshospitalet, Copenhagen University Hospital and Women's Health and Genetics/Laboratory Corporation of America, LabCorp); PubMed 31619740 (cited by Variantyx, Inc.); PubMed 28825143 (cited by Variantyx, Inc.); PubMed 2853339 (cited by Variantyx, Inc.); PubMed 40638876 (cited by Variantyx, Inc.); PubMed 26720728 (cited by 3 submitters); PubMed 33471991 (cited by 3 submitters); PubMed 26681312 (cited by Quest Diagnostics Nichols Institute San Juan Capistrano and Illumina Laboratory Services, Illumina); PubMed 31841383 (cited by Quest Diagnostics Nichols Institute San Juan Capistrano and Women's Health and Genetics/Laboratory Corporation of America, LabCorp); PubMed 28779002 (cited by Quest Diagnostics Nichols Institute San Juan Capistrano and Women's Health and Genetics/Laboratory Corporation of America, LabCorp); PubMed 32853339 (cited by Quest Diagnostics Nichols Institute San Juan Capistrano); PubMed 30720863 (cited by Quest Diagnostics Nichols Institute San Juan Capistrano); PubMed 34439348 (cited by Quest Diagnostics Nichols Institute San Juan Capistrano); PubMed 32068069 (cited by Quest Diagnostics Nichols Institute San Juan Capistrano); PubMed 21165770 (cited by Quest Diagnostics Nichols Institute San Juan Capistrano); PubMed 23935836 (cited by Quest Diagnostics Nichols Institute San Juan Capistrano); PubMed 36988593 (cited by Laboratory for Genotyping Development, RIKEN).